The following is an entry in ClinVar:

NM_015599.3(PGM3):c.943G>C (p.Glu315Gln)

Gene: PGM3 (phosphoglucomutase 3; minus strand). Cytogenetic location: 6q14.1.
Variant type: single nucleotide variant.
Coding change: c.943G>C on transcript NM_015599.3 (MANE Select); coding-DNA position 943, G replaced by C.
Protein change: p.Glu315Gln; replaces glutamic acid 315 with glutamine.
Molecular consequence: missense variant. On other transcripts: non-coding transcript variant (1).
Genome position (GRCh38, 1-based): chr6:83,179,812, C>G on the plus strand (G>C on the coding strand, the complement: PGM3 is on the minus strand). VCF-style: chr6-83179812-C-G. GRCh37 (hg19) VCF-style: chr6-83889531-C-G.
Other names: c.1027G>C, p.Glu343Gln (NM_001199917.2, NM_001367287.1); c.700G>C, p.Glu234Gln (NM_001199918.2); c.943G>C, p.Glu315Gln (NM_001199919.2, NM_001367286.1); short protein forms E234Q, E315Q, E343Q.
Identifiers: ClinVar variation 4697731 (VCV004697731.1).
Genomic context (GRCh38, chr6:83,179,812, plus strand): 5'-ATGGAACTATTTCACTACTAAGTCTTGTTTTAGAGGGTAGCCAATCCCCCCACCATACCT[C>G]CACCAGGAGCTCTTTAAGGAAACTGCTAATTAACGTTGCTATCTTGTCTCCATCTATGAG-3'
Protein context (NP_056414.1, residues 305-325): ISSFLKELLV[Glu315Gln]IGESLNIGVV

ClinVar aggregate classification (germline): Uncertain significance (1 of 4 stars; one submission).

Conditions:
Immunodeficiency 23 (IMD23). Also called: IMMUNODEFICIENCY WITH HYPER IgE AND COGNITIVE IMPAIRMENT; IMMUNODEFICIENCY-VASCULITIS-MYOCLONUS SYNDROME. Identifiers: Orphanet 443811, MedGen C4014371, MONDO:0014353, OMIM 615816.

gnomAD v4.1: 1 of 1,607,904 alleles (0.000062%); highest among the groups gnomAD compares: Non-Finnish European, 0.000085%; no homozygotes.

Submission:

Labcorp Genetics (formerly Invitae), Labcorp
Classification: Uncertain significance for Immunodeficiency 23. Last evaluated: 2025-06-06. Review status: criteria provided, single submitter. Criteria: Invitae Variant Classification Sherloc (09022015). Collection method: clinical testing. Allele origin: germline.
Comment: This sequence change replaces glutamic acid, which is acidic and polar, with glutamine, which is neutral and polar, at codon 343 of the PGM3 protein (p.Glu343Gln). This variant is present in population databases (no rsID available, gnomAD 0.0009%). This variant has not been reported in the literature in individuals affected with PGM3-related conditions. An algorithm developed to predict the effect of missense changes on protein structure and function (PolyPhen-2) suggests that this variant is likely to be tolerated. In summary, the available evidence is currently insufficient to determine the role of this variant in disease. Therefore, it has been classified as a Variant of Uncertain Significance.